The following is an entry in ClinVar:

ClinVar aggregate classification (germline): Likely pathogenic (1 of 4 stars; one submission).

Conditions:
Inborn genetic diseases. Identifiers: MedGen C0950123, MeSH D030342.

Submission:

Ambry Genetics
Classification: Likely pathogenic for Inborn genetic diseases. Last evaluated: 2026-02-06. Review status: criteria provided, single submitter. Criteria: Ambry Variant Classification Scheme 2023. Collection method: clinical testing. Allele origin: germline.
Comment: The c.620A>G (p.K207R) alteration is located in exon 4 (coding exon 4) of the CAPN3 gene. This alteration results from a A to G substitution at nucleotide position 620, causing the lysine (K) at amino acid position 207 to be replaced by an arginine (R). for autosomal recessive CAPN3-related limb-girdle muscular dystrophy; however, its clinical significance for autosomal dominant CAPN3-related limb-girdle muscular dystrophy is uncertain This variant was not reported in population-based cohorts in the Genome Aggregation Database (gnomAD). Another variant at the same codon, c.620A>C (p.K207T), has been identified in individual(s) with features consistent with autosomal recessive CAPN3-related limb-girdle muscular dystrophy (Winckler, 2019). This amino acid position is highly conserved in available vertebrate species. This alteration is predicted to be deleterious by in silico analysis. Based on the available evidence, this alteration is classified as likely pathogenic.

Literature cited by the submitters: PubMed 31268554.

NM_000070.3(CAPN3):c.620A>G (p.Lys207Arg)

Gene: CAPN3 (calpain 3; plus strand). Cytogenetic location: 15q15.1.
Variant type: single nucleotide variant.
Coding change: c.620A>G on transcript NM_000070.3 (MANE Select); coding-DNA position 620, A replaced by G.
Protein change: p.Lys207Arg; replaces lysine 207 with arginine.
Molecular consequence: missense variant.
Genome position (GRCh38, 1-based): chr15:42,387,874, A>G. VCF-style: chr15-42387874-A-G. GRCh37 (hg19) VCF-style: chr15-42680072-A-G.
Other names: c.620A>G, p.Lys207Arg (NM_024344.2, NM_173087.2); short protein forms K207R.
Identifiers: ClinVar variation 4838710 (VCV004838710.1).